The following is an entry in ClinVar:

NM_014994.3(MAPKBP1):c.3637G>A (p.Ala1213Thr)

Gene: MAPKBP1 (mitogen-activated protein kinase binding protein 1; plus strand). Cytogenetic location: 15q15.1.
Variant type: single nucleotide variant.
Coding change: c.3637G>A on transcript NM_014994.3 (MANE Select); coding-DNA position 3637, G replaced by A.
Protein change: p.Ala1213Thr; replaces alanine 1213 with threonine.
Molecular consequence: missense variant. On other transcripts: non-coding transcript variant (2), intron variant (1).
Genome position (GRCh38, 1-based): chr15:41,823,485, G>A. VCF-style: chr15-41823485-G-A. GRCh37 (hg19) VCF-style: chr15-42115683-G-A.
Other names: c.3655G>A, p.Ala1219Thr (NM_001128608.2); c.3382+479G>A (NM_001265611.2); short protein forms A1213T, A1219T.
Identifiers: ClinVar variation 1434283 (VCV001434283.7), dbSNP rs200607682, ClinGen allele CA7498631.
Genomic context (GRCh38, chr15:41,823,485, plus strand): 5'-TATACCTCTGTCTCCTTTGCAGAAAGACATGAGGCCAGTCTGCAGGCCCCTTCACCAGGC[G>A]CACTGCTGTCTCGGGAGATCGAAGCTCAGGATGGTCTGGGCTCCCTGCCCCCAGCTGATG-3'
Protein context (NP_055809.2, residues 1203-1223): EASLQAPSPG[Ala1213Thr]LLSREIEAQD

ClinVar aggregate classification (germline): Uncertain significance (1 of 4 stars; one submission).

Allele frequency attached by ClinVar (database versions not stated): gnomAD 0.00001 and 0.00003; TOPMed 0.00002; ExAC 0.00005; gnomAD exomes 0.00006; 1000 Genomes Project 30x 0.00047; 1000 Genomes Project 0.00060.
gnomAD v4.1: 28 of 1,613,934 alleles (0.0017%); highest among the groups gnomAD compares: East Asian, 0.025%; no homozygotes.

Submission:

Labcorp Genetics (formerly Invitae), Labcorp
Classification: Uncertain significance. Last evaluated: 2024-02-20. Review status: criteria provided, single submitter. Criteria: Invitae Variant Classification Sherloc (09022015). Collection method: clinical testing. Allele origin: germline.
Comment: This sequence change replaces alanine, which is neutral and non-polar, with threonine, which is neutral and polar, at codon 1219 of the MAPKBP1 protein (p.Ala1219Thr). This variant is present in population databases (rs200607682, gnomAD 0.08%). This variant has not been reported in the literature in individuals affected with MAPKBP1-related conditions. ClinVar contains an entry for this variant (Variation ID: 1434283). An algorithm developed to predict the effect of missense changes on protein structure and function (PolyPhen-2) suggests that this variant¬†is likely to be tolerated. In summary, the available evidence is currently insufficient to determine the role of this variant in disease. Therefore, it has been classified as a Variant of Uncertain Significance.